The following is an entry in ClinVar:

NM_001256789.3(CACNA1F):c.4008+1G>A

Gene: CACNA1F (calcium voltage-gated channel subunit alpha1 F; minus strand). Cytogenetic location: Xp11.23.
Variant type: single nucleotide variant.
Coding change: c.4008+1G>A on transcript NM_001256789.3 (MANE Select); the canonical splice donor site of the intron after coding-DNA position 4008, G replaced by A.
Molecular consequence: splice donor variant.
Genome position (GRCh38, 1-based): chrX:49,212,242, C>T on the plus strand (G>A on the coding strand, the complement: CACNA1F is on the minus strand). VCF-style: chrX-49212242-C-T. GRCh37 (hg19) VCF-style: chrX-49068702-C-T.
Other names: c.4041+1G>A (NM_005183.4); c.3846+1G>A (NM_001256790.3).
Identifiers: ClinVar variation 866077 (VCV000866077.3), dbSNP rs782557600, ClinGen allele CA10410291.

ClinVar aggregate classification (germline): Pathogenic/Likely pathogenic. Review status: criteria provided, multiple submitters, no conflicts (2 of 4 stars). 2 submissions from 2 submitters: Pathogenic (1); Likely pathogenic (1). Last evaluated 2025-08-20.

Conditions:
CACNA1F-related disorder. Also called: CACNA1F-related condition.
X-linked CACNA1F-related disorders.

Allele frequency attached by ClinVar (database versions not stated): gnomAD exomes below 0.00001 and 0.00001; ExAC 0.00001.
gnomAD v4.1: 1 of 1,203,662 alleles (0.000083%); highest among the groups gnomAD compares: South Asian, 0.0018%; no homozygotes.

Submissions (2):

Variantyx, Inc.
Classification: Pathogenic for X-linked CACNA1F-related disorders. Last evaluated: 2025-08-20. Review status: criteria provided, single submitter. Criteria: Variantyx Assertion Criteria 2022. Collection method: clinical testing. Allele origin: maternal. Inheritance: X-linked inheritance.
Comment: This is a canonical splicing variant in the CACNA1F gene (OMIM: 300110).Pathogenic variants in this gene have been associated with X-linked CACNA1F-related disorders. This splicing variant is expected to result in loss of function, which is a known disease mechanism for CACNA1F in this disorder (PMID: 9662399, 11281458, 30825406) (PVS1). This variant has been reported in at least 2 unrelated affected individuals (PMID: 30825406) (PS4_Moderate) and has a 0.0019% maximum allele frequency in non-founder control populations (PM2). Based on the current evidence, this variant is classified as pathogenic for X-linked CACNA1F-related disorders.

Blueprint Genetics
Classification: Likely pathogenic for CACNA1F-related disorders. Last evaluated: 2018-04-18. Review status: criteria provided, single submitter. Criteria: ACMG Guidelines, 2015. Collection method: clinical testing. Allele origin: germline. Affected: yes. Observed: 2 variant alleles.

Literature cited by the submitters: PubMed 9662399 (cited by Variantyx, Inc.); PubMed 11281458 (cited by Variantyx, Inc.); PubMed 30825406 (cited by Variantyx, Inc.).